The following is an entry in ClinVar:

ClinVar aggregate classification (germline): Likely benign. Review status: criteria provided, multiple submitters, no conflicts (2 of 4 stars). 6 submissions from 6 submitters: Likely benign (6). Last evaluated 2026-05-05.

Conditions:
Inborn genetic diseases. Identifiers: MedGen C0950123, MeSH D030342.
AGRN-related disorder. Also called: AGRN-related condition.
Congenital myasthenic syndrome 8. Also called: MYASTHENIC SYNDROME, CONGENITAL, DUE TO AGRIN DEFICIENCY; Myasthenic syndrome, congenital, 8, with pre- and postsynaptic defects. Identifiers: Orphanet 590, MedGen C3808739, MONDO:0014052, OMIM 615120.

Allele frequency attached by ClinVar (database versions not stated): gnomAD exomes 0.00037 and 0.00012; ExAC 0.00066; ESP Exome Variant Server 0.00103; gnomAD 0.00136 and 0.00143; TOPMed 0.00149; 1000 Genomes Project 0.00180; 1000 Genomes Project 30x 0.00187.
gnomAD v4.1: 383 of 1,569,432 alleles (0.024%); highest among the groups gnomAD compares: African/African-American, 0.44%; 1 homozygote.

Submissions (6):

PreventionGenetics, part of Exact Sciences
Classification: Likely benign for AGRN-related condition. Last evaluated: 2026-05-05. Review status: criteria provided, single submitter. Criteria: ACMG Guidelines, 2015. Collection method: clinical testing. Allele origin: germline.
Comment: This variant is classified as likely benign based on ACMG/AMP sequence variant interpretation guidelines (Richards et al. 2015 PMID: 25741868, with internal and published modifications).

Labcorp Genetics (formerly Invitae), Labcorp
Classification: Likely benign for Congenital myasthenic syndrome 8. Last evaluated: 2025-12-22. Review status: criteria provided, single submitter. Criteria: Invitae Variant Classification Sherloc (09022015). Collection method: clinical testing. Allele origin: germline.

Mayo Clinic Laboratories, Mayo Clinic
Classification: Likely benign. Last evaluated: 2025-05-27. Review status: criteria provided, single submitter. Criteria: ACMG Guidelines, 2015. Collection method: clinical testing. Allele origin: germline. Observed: 1 variant allele.
Comment: BS1, BP4_moderate

Blueprint Genetics
Classification: Likely benign. Last evaluated: 2023-11-27. Review status: criteria provided, single submitter. Criteria: ACMG Guidelines, 2015. Collection method: clinical testing. Allele origin: germline.

Ambry Genetics
Classification: Likely benign for Inborn genetic diseases. Last evaluated: 2021-12-07. Review status: criteria provided, single submitter. Criteria: Ambry Variant Classification Scheme 2023. Collection method: clinical testing. Allele origin: germline.

GeneDx
Classification: Likely benign. Last evaluated: 2020-10-29. Review status: criteria provided, single submitter. Criteria: GeneDx Variant Classification Process June 2021. Collection method: clinical testing. Allele origin: germline. Affected: yes.
Comment: See Variant Classification Assertion Criteria.

NM_198576.4(AGRN):c.3926G>A (p.Arg1309Gln)

Gene: AGRN (agrin; plus strand). Cytogenetic location: 1p36.33.
Variant type: single nucleotide variant.
Coding change: c.3926G>A on transcript NM_198576.4 (MANE Select); coding-DNA position 3926, G replaced by A.
Protein change: p.Arg1309Gln; replaces arginine 1309 with glutamine.
Molecular consequence: missense variant.
Genome position (GRCh38, 1-based): chr1:1,048,186, G>A. VCF-style: chr1-1048186-G-A. GRCh37 (hg19) VCF-style: chr1-983566-G-A.
Other names: p.Arg1309Gln; c.3926G>A, p.Arg1309Gln (NM_001305275.2); c.3611G>A, p.Arg1204Gln (NM_001364727.2); short protein forms R1309Q, R1204Q.
Identifiers: ClinVar variation 474128 (VCV000474128.20), dbSNP rs199680125, ClinGen allele CA509279.
Genomic context (GRCh38, chr1:1,048,186, plus strand): 5'-CGCACCCCAGTCACACAAGCCAGCCCGTTGCCAAGACCACGGCAGCCCCCACCACACGTC[G>A]GCCCCCCACCACTGCCCCCAGCCGTGTGCCCGGACGTCGGCCCCCGGCCCCCCAGCAGCC-3'
Protein context (NP_940978.2, residues 1299-1319): AKTTAAPTTR[Arg1309Gln]PPTTAPSRVP